The following is an entry in ClinVar:

ClinVar aggregate classification (germline): Uncertain significance (1 of 4 stars; one submission).

Submission:

Labcorp Genetics (formerly Invitae), Labcorp
Classification: Uncertain significance. Last evaluated: 2022-02-05. Review status: criteria provided, single submitter. Criteria: Invitae Variant Classification Sherloc (09022015). Collection method: clinical testing. Allele origin: germline.
Comment: In summary, the available evidence is currently insufficient to determine the role of this variant in disease. Therefore, it has been classified as a Variant of Uncertain Significance. Experimental studies and prediction algorithms are not available or were not evaluated, and the functional significance of this variant is currently unknown. This variant has not been reported in the literature in individuals affected with ANGPT1-related conditions. This variant results in a copy number gain of the genomic region encompassing exon(s) 9 of the ANGPT1 gene. This region includes the termination codon of the gene. This copy number gain extends beyond the assayed region for this gene and therefore may encompass additional genes. As the precise location of this event is unknown, it may be in tandem or it may be located elsewhere in the genome.

NC_000008.10:g.(?_108264083)_(108264263_?)dup

Gene: ANGPT1 (angiopoietin 1; minus strand). Cytogenetic location: 8q23.1.
Variant type: Duplication.
Identifiers: ClinVar variation 1432061 (VCV001432061.5).